The following is an entry in ClinVar:

ClinVar aggregate classification (germline): Uncertain significance (1 of 4 stars; one submission).

Allele frequency attached by ClinVar (database versions not stated): gnomAD exomes below 0.00001; TOPMed 0.00001.
gnomAD v4.1: 3 of 1,613,386 alleles (0.00019%); highest among the groups gnomAD compares: African/African-American, 0.0027%; no homozygotes.

Submission:

Labcorp Genetics (formerly Invitae), Labcorp
Classification: Uncertain significance. Last evaluated: 2020-05-22. Review status: criteria provided, single submitter. Criteria: Invitae Variant Classification Sherloc (09022015). Collection method: clinical testing. Allele origin: germline.
Comment: This sequence change replaces glutamine with histidine at codon 325 of the COL10A1 protein (p.Gln325His). The glutamine residue is moderately conserved and there is a small physicochemical difference between glutamine and histidine. In summary, the available evidence is currently insufficient to determine the role of this variant in disease. Therefore, it has been classified as a Variant of Uncertain Significance. Algorithms developed to predict the effect of missense changes on protein structure and function are either unavailable or do not agree on the potential impact of this missense change (SIFT: "Deleterious"; PolyPhen-2: "Not Available"; Align-GVGD: "Class C0"). This variant has not been reported in the literature in individuals with COL10A1-related conditions. This variant is not present in population databases (ExAC no frequency).

NM_000493.4(COL10A1):c.975A>T (p.Gln325His)

Genes: COL10A1 (collagen type X alpha 1 chain; minus strand), NT5DC1 (5'-nucleotidase domain containing 1; plus strand). Cytogenetic location: 6q22.1.
Variant type: single nucleotide variant.
Coding change: c.975A>T on transcript NM_000493.4 (MANE Select); coding-DNA position 975, A replaced by T.
Protein change: p.Gln325His; replaces glutamine 325 with histidine.
Molecular consequence: missense variant. On other transcripts: intron variant (1).
Genome position (GRCh38, 1-based): chr6:116,121,141, T>A on the plus strand (A>T on the coding strand, the complement: COL10A1 is on the minus strand). VCF-style: chr6-116121141-T-A. GRCh37 (hg19) VCF-style: chr6-116442304-T-A.
Other names: c.975A>T, p.Gln325His (NM_001424106.1, NM_001424107.1); c.529+3196T>A (NM_152729.3); short protein forms Q325H.
Identifiers: ClinVar variation 1046810 (VCV001046810.9), dbSNP rs1302306063, ClinGen allele CA365391137.